The following is an entry in ClinVar:

NM_001244008.2(KIF1A):c.1110C>T (p.Arg370=)

Gene: KIF1A (kinesin family member 1A; minus strand). Cytogenetic location: 2q37.3.
Variant type: single nucleotide variant.
Coding change: c.1110C>T on transcript NM_001244008.2 (MANE Select); coding-DNA position 1110, C replaced by T.
Protein change: p.Arg370=; no amino-acid change (arginine 370 retained).
Molecular consequence: synonymous variant.
Genome position (GRCh38, 1-based): chr2:240,773,184, G>A on the plus strand (C>T on the coding strand, the complement: KIF1A is on the minus strand). VCF-style: chr2-240773184-G-A. GRCh37 (hg19) VCF-style: chr2-241712601-G-A.
Other names: c.1110C>T (NM_001244008.1); c.1110C>T, p.Arg370= (NM_001320705.2, NM_001330289.2, NM_001330290.2 and 20 more transcripts).
Identifiers: ClinVar variation 532895 (VCV000532895.20), dbSNP rs369641508, ClinGen allele CA2208542.
Genomic context (GRCh38, chr2:240,773,184, plus strand): 5'-GTCGCCAAGACCCTGGGCGTACAGAAGGTCCCGCAGCCGGGTCACCTCATCCTTCAGCTC[G>A]CGGATCAGCTTGTTGTTGGGGTCCTCATTGATGACAGCATTGCAGCGGATCTGCTTGGCC-3'
Protein context (NP_001230937.1, residues 360-380): INEDPNNKLI[Arg370=]ELKDEVTRLR

ClinVar aggregate classification (germline): Likely benign. Review status: criteria provided, multiple submitters, no conflicts (2 of 4 stars). 4 submissions from 4 submitters: Likely benign (3). 1 of the submissions does not count toward it. Last evaluated 2025-12-30.

Conditions:
KIF1A-related disorder. Also called: KIF1A-related disorders; KIF1A-related condition.
Inborn genetic diseases. Identifiers: MedGen C0950123, MeSH D030342.
Neuropathy, hereditary sensory, type 2C. Also called: KIF1A-Related HSAN2 (HSAN2C); Hereditary sensory and autonomic neuropathy type IIC. Identifiers: Orphanet 970, MedGen C3280168, MONDO:0013634, OMIM 614213.
Intellectual disability, autosomal dominant 9 (NESCAVS). Also called: NESCAV SYNDROME; KIF1A-Related Neurodevelopmental Disorder. Identifiers: Orphanet 662367, MedGen C5393830, MONDO:0013656, OMIM 614255.
Hereditary spastic paraplegia 30. Identifiers: Orphanet 101010, MedGen C5235139, MONDO:0012476.

Allele frequency attached by ClinVar (database versions not stated): gnomAD 0.00002 and 0.00003; TOPMed 0.00003; ESP Exome Variant Server 0.00008; gnomAD exomes 0.00008 and 0.00011; ExAC 0.00012.
gnomAD v4.1: 118 of 1,613,848 alleles (0.0073%); highest among the groups gnomAD compares: Middle Eastern, 0.016%; no homozygotes.

Submissions (4):

Labcorp Genetics (formerly Invitae), Labcorp
Classification: Likely benign for Hereditary spastic paraplegia 30; Neuropathy, hereditary sensory, type 2C; Intellectual disability, autosomal dominant 9. Last evaluated: 2025-12-30. Review status: criteria provided, single submitter. Criteria: Invitae Variant Classification Sherloc (09022015). Collection method: clinical testing. Allele origin: germline.

GeneDx
Classification: Likely benign. Last evaluated: 2020-08-20. Review status: criteria provided, single submitter. Criteria: GeneDx Variant Classification Process June 2021. Collection method: clinical testing. Allele origin: germline. Affected: yes.

Ambry Genetics
Classification: Likely benign for Inborn genetic diseases. Last evaluated: 2016-03-23. Review status: criteria provided, single submitter. Criteria: Ambry Variant Classification Scheme 2023. Collection method: clinical testing. Allele origin: germline.

PreventionGenetics, part of Exact Sciences
Classification: Likely benign for KIF1A-related condition. Last evaluated: 2023-07-12. Review status: no assertion criteria provided. Collection method: clinical testing. Allele origin: germline. Not counted in ClinVar's aggregate classification.
Comment: This variant is classified as likely benign based on ACMG/AMP sequence variant interpretation guidelines (Richards et al. 2015 PMID: 25741868, with internal and published modifications).